The following is an entry in ClinVar:

NM_058216.3(RAD51C):c.927T>C (p.Ala309=)

Gene: RAD51C (RAD51 paralog C; plus strand). Cytogenetic location: 17q22.
Variant type: single nucleotide variant.
Coding change: c.927T>C on transcript NM_058216.3 (MANE Select); coding-DNA position 927, T replaced by C.
Protein change: p.Ala309=; no amino-acid change (alanine 309 retained).
Molecular consequence: synonymous variant. On other transcripts: non-coding transcript variant (1).
Genome position (GRCh38, 1-based): chr17:58,724,062, T>C. VCF-style: chr17-58724062-T-C. GRCh37 (hg19) VCF-style: chr17-56801423-T-C.
Other names: c.927T>C (NM_058216.1).
Identifiers: ClinVar variation 1171207 (VCV001171207.12), dbSNP rs2143961955, ClinGen allele CA501075907.

ClinVar aggregate classification (germline): Benign/Likely benign. Review status: criteria provided, multiple submitters, no conflicts (2 of 4 stars). 4 submissions from 4 submitters: Benign (1); Likely benign (3). Last evaluated 2025-02-19.

Conditions:
Fanconi anemia complementation group O. Also called: RAD51C-Related Fanconi Anemia. Identifiers: Orphanet 84, MedGen C3150653, MONDO:0013248, OMIM 613390.
Breast-ovarian cancer, familial, susceptibility to, 3. Also called: RAD51C-Related Breast/Ovarian Cancer. Identifiers: Orphanet 145, MedGen C3150659, MONDO:0013253, OMIM 613399.
Hereditary cancer-predisposing syndrome. Also called: Hereditary neoplastic syndrome; Neoplastic Syndromes, Hereditary; Hereditary Cancer Syndrome; Tumor predisposition. Identifiers: Orphanet 140162, MedGen C0027672, MeSH D009386, MONDO:0015356.

Allele frequency attached by ClinVar (database versions not stated): gnomAD exomes below 0.00001.
gnomAD v4.1: 2 of 1,613,392 alleles (0.00012%); highest among the groups gnomAD compares: Non-Finnish European, 0.00017%; no homozygotes.

Submissions (4):

Myriad Genetics, Inc.
Classification: Benign for Breast-ovarian cancer, familial, susceptibility to, 3. Last evaluated: 2025-02-19. Review status: criteria provided, single submitter. Criteria: Myriad Autosomal Dominant, Autosomal Recessive and X-Linked Classification Criteria (2023). Collection method: clinical testing. Allele origin: unknown.
Comment: This variant is considered benign. This variant is a silent/synonymous amino acid change and it is not expected to impact splicing.

Labcorp Genetics (formerly Invitae), Labcorp
Classification: Likely benign for Fanconi anemia complementation group O. Last evaluated: 2024-03-13. Review status: criteria provided, single submitter. Criteria: Invitae Variant Classification Sherloc (09022015). Collection method: clinical testing. Allele origin: germline.

Ambry Genetics
Classification: Likely benign for Hereditary cancer-predisposing syndrome. Last evaluated: 2020-12-07. Review status: criteria provided, single submitter. Criteria: Ambry Variant Classification Scheme 2023. Collection method: clinical testing. Allele origin: germline.

Color Diagnostics, LLC DBA Color Health
Classification: Likely benign for Hereditary cancer-predisposing syndrome. Last evaluated: 2020-08-03. Review status: criteria provided, single submitter. Criteria: ACMG Guidelines, 2015. Collection method: clinical testing. Allele origin: germline.